The following is an entry in ClinVar:

NM_001267550.2(TTN):c.34753G>C (p.Val11585Leu)

Gene: TTN (titin; minus strand). Cytogenetic location: 2q31.2.
Variant type: single nucleotide variant.
Coding change: c.34753G>C on transcript NM_001267550.2 (MANE Select); coding-DNA position 34753, G replaced by C.
Protein change: p.Val11585Leu; replaces valine 11585 with leucine.
Molecular consequence: missense variant. On other transcripts: intron variant (3).
Genome position (GRCh38, 1-based): chr2:178,673,666, C>G on the plus strand (G>C on the coding strand, the complement: TTN is on the minus strand). VCF-style: chr2-178673666-C-G. GRCh37 (hg19) VCF-style: chr2-179538393-C-G.
Other names: p.V11211L:GTT>CTT; c.33631G>C, p.Val11211Leu (NM_001256850.1); c.30850G>C, p.Val10284Leu (NM_133378.4); c.13283-31349G>C (NM_003319.4); c.13859-31349G>C (NM_133437.4); c.13658-31349G>C (NM_133432.3); short protein forms V11211L, V11585L, V10284L.
Identifiers: ClinVar variation 202590 (VCV000202590.2), dbSNP rs780132207, ClinGen allele CA309686.
Genomic context (GRCh38, chr2:178,673,666, plus strand): 5'-GATATTAATAATGAGGATTTGATATACCTTTAGCTGGTGGTGCCTCCACTTTTTTAGGAA[C>G]AGGAGTAGGTGCTTCAGGTACTGCTTTCTTAATCACTTCAGGCACTTAAAAGAAATTTTA-3'
Protein context (NP_001254479.2, residues 11575-11595): KKAVPEAPTP[Val11585Leu]PKKVEAPPAK

ClinVar aggregate classification (germline): Uncertain significance (1 of 4 stars; one submission).

Allele frequency attached by ClinVar (database versions not stated): TOPMed 0.00002 and 0.00001; gnomAD 0.00001.
gnomAD v4.1: 8 of 1,592,570 alleles (0.0005%); highest among the groups gnomAD compares: Non-Finnish European, 0.00068%; no homozygotes.

Submission:

GeneDx
Classification: Uncertain significance. Last evaluated: 2014-08-04. Review status: criteria provided, single submitter. Criteria: GeneDx Variant Classification (06012015). Collection method: clinical testing. Allele origin: germline. Affected: yes.
Comment: Missense variants in the TTN gene are considered 'unclassified' if they are not previously reported in the literature and do not have >1% frequency in the population to be considered a polymorphism. Research indicates that truncating mutations in the TTN gene are expected to account for approximately 25% of familial and 18% of sporadic idiopathic DCM; however, truncating variants in the TTN gene have been reported in approximately 3% of reported control alleles. There has been little investigation into non-truncating variants. (Herman D et al. Truncations of titin causing dilated cardiomyopathy. N Eng J Med 366:619-628, 2012) The variant is found in CARDIOMYOPATHY panel(s).